The following is an entry in ClinVar:

ClinVar aggregate classification (germline): Uncertain significance. Review status: criteria provided, multiple submitters, no conflicts (2 of 4 stars). 3 submissions from 3 submitters: Uncertain significance (3). Last evaluated 2025-02-01.

Conditions:
Inborn genetic diseases. Identifiers: MedGen C0950123, MeSH D030342.
Bethlem myopathy 1A. Also called: MYOPATHY, BENIGN CONGENITAL, WITH CONTRACTURES; Bethlem myopathy 1; Bethlem Muscular Dystrophy. Identifiers: Orphanet 610, MedGen CN029274, MONDO:0024530, OMIM 158810.

Allele frequency attached by ClinVar (database versions not stated): gnomAD 0.00001; TOPMed 0.00001; ExAC 0.00002; gnomAD exomes 0.00002.
gnomAD v4.1: 23 of 1,614,118 alleles (0.0014%); highest among the groups gnomAD compares: Middle Eastern, 0.082%; no homozygotes.

Submissions (3):

Ambry Genetics
Classification: Uncertain significance for Inborn genetic diseases. Last evaluated: 2025-02-01. Review status: criteria provided, single submitter. Criteria: Ambry Variant Classification Scheme 2023. Collection method: clinical testing. Allele origin: germline.

Labcorp Genetics (formerly Invitae), Labcorp
Classification: Uncertain significance for Bethlem myopathy 1A. Last evaluated: 2024-07-30. Review status: criteria provided, single submitter. Criteria: Invitae Variant Classification Sherloc (09022015). Collection method: clinical testing. Allele origin: germline.
Comment: This sequence change replaces leucine, which is neutral and non-polar, with phenylalanine, which is neutral and non-polar, at codon 268 of the COL6A3 protein (p.Leu268Phe). This variant is present in population databases (rs572430889, gnomAD 0.002%). This missense change has been observed in individuals with clinical features of autosomal dominant COL6A3-related conditions (Invitae). ClinVar contains an entry for this variant (Variation ID: 500655). Advanced modeling of protein sequence and biophysical properties (such as structural, functional, and spatial information, amino acid conservation, physicochemical variation, residue mobility, and thermodynamic stability) performed at Invitae indicates that this missense variant is not expected to disrupt COL6A3 protein function with a negative predictive value of 95%. In summary, the available evidence is currently insufficient to determine the role of this variant in disease. Therefore, it has been classified as a Variant of Uncertain Significance.

Eurofins Ntd Llc (ga)
Classification: Uncertain significance. Last evaluated: 2017-02-28. Review status: criteria provided, single submitter. Criteria: EGL Classification Definitions 2015. Collection method: clinical testing. Allele origin: germline. Observed: 4 variant alleles, 4 heterozygotes.

NM_004369.4(COL6A3):c.802C>T (p.Leu268Phe)

Gene: COL6A3 (collagen type VI alpha 3 chain; minus strand). Cytogenetic location: 2q37.3.
Variant type: single nucleotide variant.
Coding change: c.802C>T on transcript NM_004369.4 (MANE Select); coding-DNA position 802, C replaced by T.
Protein change: p.Leu268Phe; replaces leucine 268 with phenylalanine.
Molecular consequence: missense variant. On other transcripts: intron variant (2).
Genome position (GRCh38, 1-based): chr2:237,388,092, G>A on the plus strand (C>T on the coding strand, the complement: COL6A3 is on the minus strand). VCF-style: chr2-237388092-G-A. GRCh37 (hg19) VCF-style: chr2-238296735-G-A.
Other names: c.184C>T, p.Leu62Phe (NM_057165.5, NM_057167.4); c.92-6593C>T (NM_057166.5, NM_057164.5); short protein forms L268F, L62F.
Identifiers: ClinVar variation 500655 (VCV000500655.15), dbSNP rs572430889, ClinGen allele CA2189774.
Genomic context (GRCh38, chr2:237,388,092, plus strand): 5'-CGCTAAACTGGACCACCCCCACTCGGATCTGCTGAGTTCCAATTGGGAGTTTCTCAAGGA[G>A]ATTTACAAGGAAGTCGAGAATGACTGCGAAATTGACACTTCCGGTGTTGTTTGATCCATC-3'
Protein context (NP_004360.2, residues 258-278): FAVILDFLVN[Leu268Phe]LEKLPIGTQQ